The following is an entry in ClinVar:

NM_007327.4(GRIN1):c.969-177G>A

Gene: GRIN1 (glutamate ionotropic receptor NMDA type subunit 1; plus strand). Cytogenetic location: 9q34.3.
Variant type: single nucleotide variant.
Coding change: c.969-177G>A on transcript NM_007327.4 (MANE Select); 177 bases into the intron before coding-DNA position 969, G replaced by A.
Molecular consequence: intron variant.
Genome position (GRCh38, 1-based): chr9:137,158,202, G>A. VCF-style: chr9-137158202-G-A. GRCh37 (hg19) VCF-style: chr9-140052654-G-A.
Other names: c.1032-177G>A (NM_001185090.2, NM_001185091.2); c.969-177G>A (NM_021569.4, NM_000832.7).
Identifiers: ClinVar variation 677395 (VCV000677395.1), dbSNP rs28408401, ClinGen allele CA201738983.
Genomic context (GRCh38, chr9:137,158,202, plus strand): 5'-GAACCACACCGTCCATCTGGTGCAGGCAGATACCACGGTGTCCAGGGTCTGGCGTCTGCT[G>A]ATCTTTCCGTTCTTGGGACTGGGACAAGGGAAAAGCCCAAGCTGCTCAGCCGGCAGGAGA-3'

ClinVar aggregate classification (germline): Benign (1 of 4 stars; one submission).

Allele frequency attached by ClinVar (database versions not stated): gnomAD 0.03916 and 0.04166; 1000 Genomes Project 0.04373; TOPMed 0.04424; 1000 Genomes Project 30x 0.04653.
gnomAD v4.1: 5,903 of 152,290 alleles (3.9%); highest among the groups gnomAD compares: African/African-American, 13%; 372 homozygotes.

Submission:

GeneDx
Classification: Benign. Last evaluated: 2018-06-14. Review status: criteria provided, single submitter. Criteria: GeneDx Variant Classification (06012015). Collection method: clinical testing. Allele origin: germline. Affected: yes.
Comment: This variant is considered likely benign or benign based on one or more of the following criteria: it is a conservative change, it occurs at a poorly conserved position in the protein, it is predicted to be benign by multiple in silico algorithms, and/or has population frequency not consistent with disease.